The following is an entry in ClinVar:

ClinVar aggregate classification (germline): Conflicting classifications of pathogenicity. Review status: criteria provided, conflicting classifications (1 of 4 stars). 3 submissions from 3 submitters: Uncertain significance (1); Likely benign (2). Last evaluated 2025-08-08.

Conditions:
Inborn genetic diseases. Identifiers: MedGen C0950123, MeSH D030342.
Peroxisome biogenesis disorder. Identifiers: Orphanet 79189, MedGen C1832200, MONDO:0019234. Disease mechanism: loss of function.

Allele frequency attached by ClinVar (database versions not stated): gnomAD exomes 0.00001 and 0.00003; TOPMed 0.00002; gnomAD 0.00004.
gnomAD v4.1: 54 of 1,612,290 alleles (0.0033%); highest among the groups gnomAD compares: Non-Finnish European, 0.0044%; no homozygotes.

Submissions (3):

Ambry Genetics
Classification: Likely benign for Inborn genetic diseases. Last evaluated: 2025-08-08. Review status: criteria provided, single submitter. Criteria: Ambry Variant Classification Scheme 2023. Collection method: clinical testing. Allele origin: germline.

Blueprint Genetics
Classification: Likely benign. Last evaluated: 2022-10-27. Review status: criteria provided, single submitter. Criteria: ACMG Guidelines, 2015. Collection method: clinical testing. Allele origin: germline.

Labcorp Genetics (formerly Invitae), Labcorp
Classification: Uncertain significance for Peroxisome biogenesis disorder. Last evaluated: 2022-08-23. Review status: criteria provided, single submitter. Criteria: Invitae Variant Classification Sherloc (09022015). Collection method: clinical testing. Allele origin: germline.
Comment: This sequence change affects codon 256 of the PEX16 mRNA. It is a 'silent' change, meaning that it does not change the encoded amino acid sequence of the PEX16 protein. It affects a nucleotide within the consensus splice site. This variant is present in population databases (no rsID available, gnomAD 0.003%). This variant has not been reported in the literature in individuals affected with PEX16-related conditions. ClinVar contains an entry for this variant (Variation ID: 1525054). Algorithms developed to predict the effect of sequence changes on RNA splicing suggest that this variant is not likely to affect RNA splicing. In summary, the available evidence is currently insufficient to determine the role of this variant in disease. Therefore, it has been classified as a Variant of Uncertain Significance.

NM_004813.4(PEX16):c.768C>T (p.Ser256=)

Gene: PEX16 (peroxisomal biogenesis factor 16; minus strand). Cytogenetic location: 11p11.2.
Variant type: single nucleotide variant.
Coding change: c.768C>T on transcript NM_004813.4 (MANE Select); coding-DNA position 768, C replaced by T.
Protein change: p.Ser256=; no amino-acid change (serine 256 retained).
Molecular consequence: synonymous variant.
Genome position (GRCh38, 1-based): chr11:45,913,938, G>A on the plus strand (C>T on the coding strand, the complement: PEX16 is on the minus strand). VCF-style: chr11-45913938-G-A. GRCh37 (hg19) VCF-style: chr11-45935489-G-A.
Other names: c.768C>T, p.Ser256= (NM_057174.3); c.768C>T (NM_004813.2).
Identifiers: ClinVar variation 1525054 (VCV001525054.5), dbSNP rs1173649955, ClinGen allele CA473860971.